The following is an entry in ClinVar:

NM_203290.4(POLR1C):c.233G>A (p.Arg78Gln)

Gene: POLR1C (RNA polymerase I and III subunit C; plus strand). Cytogenetic location: 6p21.1.
Variant type: single nucleotide variant.
Coding change: c.233G>A on transcript NM_203290.4 (MANE Select); coding-DNA position 233, G replaced by A.
Protein change: p.Arg78Gln; replaces arginine 78 with glutamine.
Molecular consequence: missense variant.
Genome position (GRCh38, 1-based): chr6:43,519,424, G>A. VCF-style: chr6-43519424-G-A. GRCh37 (hg19) VCF-style: chr6-43487162-G-A.
Other names: c.233G>A, p.Arg78Gln (NM_001318876.2, NM_001363658.2); short protein forms R78Q.
Identifiers: ClinVar variation 4754387 (VCV004754387.1).
Genomic context (GRCh38, chr6:43,519,424, plus strand): 5'-AAAACTCACTGGAGTTTGACATGGTGGGAATTGACGCAGCCATTGCCAATGCTTTTCGAC[G>A]AATTCTGCTAGCTGAGGTATTGGCAGGCATGGTGACAAGGCTGGAGTTGCTTTGGGAACT-3'
Protein context (NP_976035.1, residues 68-88): IDAAIANAFR[Arg78Gln]ILLAEVPTMA

ClinVar aggregate classification (germline): Uncertain significance (1 of 4 stars; one submission).

Submission:

Labcorp Genetics (formerly Invitae), Labcorp
Classification: Uncertain significance. Last evaluated: 2025-12-16. Review status: criteria provided, single submitter. Criteria: Invitae Variant Classification Sherloc (09022015). Collection method: clinical testing. Allele origin: germline.
Comment: This sequence change replaces arginine, which is basic and polar, with glutamine, which is neutral and polar, at codon 78 of the POLR1C protein (p.Arg78Gln). This variant is present in population databases (rs747204932, gnomAD 0.006%). This variant has not been reported in the literature in individuals affected with POLR1C-related conditions. Invitae Evidence Modeling of protein sequence and biophysical properties (such as structural, functional, and spatial information, amino acid conservation, physicochemical variation, residue mobility, and thermodynamic stability) indicates that this missense variant is expected to disrupt POLR1C protein function with a positive predictive value of 80%. In summary, the available evidence is currently insufficient to determine the role of this variant in disease. Therefore, it has been classified as a Variant of Uncertain Significance.